The following is an entry in ClinVar:

ClinVar aggregate classification (germline): Uncertain significance. Review status: criteria provided, multiple submitters, no conflicts (2 of 4 stars). 5 submissions from 5 submitters: Uncertain significance (4). 1 of the submissions does not count toward it. Last evaluated 2022-08-20.

Conditions:
Dystrophin deficiency.
Duchenne muscular dystrophy (DMD). Also called: Duchenne Muscular Dystrophy (DMD); MUSCULAR DYSTROPHY, PSEUDOHYPERTROPHIC PROGRESSIVE, DUCHENNE TYPE. Identifiers: Orphanet 98896, MedGen C0013264, MONDO:0010679, OMIM 310200.

Allele frequency attached by ClinVar (database versions not stated): gnomAD exomes below 0.00001; gnomAD 0.00001; TOPMed 0.00001.
gnomAD v4.1: 3 of 1,201,446 alleles (0.00025%); highest among the groups gnomAD compares: Non-Finnish European, 0.00011%; no homozygotes.

Submissions (5):

Labcorp Genetics (formerly Invitae), Labcorp
Classification: Uncertain significance for Duchenne muscular dystrophy. Last evaluated: 2022-08-20. Review status: criteria provided, single submitter. Criteria: Invitae Variant Classification Sherloc (09022015). Collection method: clinical testing. Allele origin: germline.
Comment: This sequence change replaces asparagine, which is neutral and polar, with serine, which is neutral and polar, at codon 508 of the DMD protein (p.Asn508Ser). This variant is not present in population databases (gnomAD no frequency). This variant has not been reported in the literature in individuals affected with DMD-related conditions. ClinVar contains an entry for this variant (Variation ID: 291121). Algorithms developed to predict the effect of missense changes on protein structure and function are either unavailable or do not agree on the potential impact of this missense change (SIFT: "Tolerated"; PolyPhen-2: "Possibly Damaging"; Align-GVGD: "Class C15"). In summary, the available evidence is currently insufficient to determine the role of this variant in disease. Therefore, it has been classified as a Variant of Uncertain Significance.

Mayo Clinic Laboratories, Mayo Clinic
Classification: Uncertain significance. Last evaluated: 2019-08-26. Review status: criteria provided, single submitter. Criteria: ACMG Guidelines, 2015. Collection method: clinical testing. Allele origin: germline. Observed: 1 variant allele.

GeneDx
Classification: Uncertain significance. Last evaluated: 2017-08-07. Review status: criteria provided, single submitter. Criteria: GeneDx Variant Classification (06012015). Collection method: clinical testing. Allele origin: germline. Affected: yes.
Comment: The N508S variant in the DMD gene has not been reported previously as a pathogenic variant, nor as a benign variant, to our knowledge. The N508S variant is not observed in large population cohorts (Lek et al., 2016; 1000 Genomes Consortium et al., 2015; Exome Variant Server). The N508S variant is a conservative amino acid substitution, which is not likely to impact secondary protein structure as these residues share similar properties. This substitution occurs at a position that is conserved across species. In silico analysis predicts this variant is probably damaging to the protein structure/function. We interpret N508S as a variant of uncertain significance.

Eurofins Ntd Llc (ga)
Classification: Uncertain significance. Last evaluated: 2016-09-02. Review status: criteria provided, single submitter. Criteria: EGL Classification Definitions 2015. Collection method: clinical testing. Allele origin: germline. Observed: 1 variant allele, 1 heterozygote.

Natera, Inc.
Classification: Uncertain significance for Dystrophin deficiency. Last evaluated: 2020-09-16. Review status: no assertion criteria provided. Collection method: clinical testing. Allele origin: germline. Not counted in ClinVar's aggregate classification.

NM_004006.3(DMD):c.1523A>G (p.Asn508Ser)

Gene: DMD (dystrophin; minus strand). Cytogenetic location: Xp21.1.
Variant type: single nucleotide variant.
Coding change: c.1523A>G on transcript NM_004006.3 (MANE Select); coding-DNA position 1523, A replaced by G.
Protein change: p.Asn508Ser; replaces asparagine 508 with serine.
Molecular consequence: missense variant.
Genome position (GRCh38, 1-based): chrX:32,595,836, T>C on the plus strand (A>G on the coding strand, the complement: DMD is on the minus strand). VCF-style: chrX-32595836-T-C. GRCh37 (hg19) VCF-style: chrX-32613953-T-C.
Other names: c.1499A>G, p.Asn500Ser (NM_000109.4); c.1511A>G, p.Asn504Ser (NM_004009.3); c.1154A>G, p.Asn385Ser (NM_004010.3); short protein forms N508S, N385S, N500S, N504S.
Identifiers: ClinVar variation 291121 (VCV000291121.13), dbSNP rs886044658, ClinGen allele CA10607026.